The following is an entry in ClinVar:

NM_000369.5(TSHR):c.1954C>G (p.Pro652Ala)

Genes: TSHR (thyroid stimulating hormone receptor; plus strand), TSHR-AS1 (TSHR antisense RNA 1; minus strand). Cytogenetic location: 14q31.1.
Variant type: single nucleotide variant.
Coding change: c.1954C>G on transcript NM_000369.5 (MANE Select); coding-DNA position 1954, C replaced by G.
Protein change: p.Pro652Ala; replaces proline 652 with alanine.
Molecular consequence: missense variant.
Genome position (GRCh38, 1-based): chr14:81,144,012, C>G. VCF-style: chr14-81144012-C-G. GRCh37 (hg19) VCF-style: chr14-81610356-C-G.
Other names: short protein forms P652A.
Identifiers: ClinVar variation 1049022 (VCV001049022.1), dbSNP rs761428348, ClinGen allele CA390728980.

ClinVar aggregate classification (germline): Uncertain significance (0 of 4 stars; one submission).

Allele frequency attached by ClinVar (database versions not stated): gnomAD 0.00001.

Submission:

Department of Pathology and Laboratory Medicine, Sinai Health System
Classification: Uncertain significance. Review status: no assertion criteria provided. Collection method: clinical testing. Allele origin: unknown. Affected: yes. Study: The Canadian Open Genetics Repository (COGR).
Comment: The TSHR p.Pro652Ala variant was not identified in the literature nor was it identified in ClinVar or LOVD 3.0. The variant was identified in the dbSNP (ID: rs761428348) database. The variant was also identified in control databases in 4 of 282896 chromosomes at a frequency of 0.000014 (Genome Aggregation Database Feb 27, 2017). The variant was observed in the following populations: African in 1 of 24968 chromosomes (freq: 0.00004), European (non-Finnish) in 3 of 129198 chromosomes (freq: 0.000023), while the variant was not observed in the Latino, Ashkenazi Jewish, East Asian, European (Finnish), South Asian and other populations. The p.Pro652 residue is conserved in mammals and computational analyses (PolyPhen-2, SIFT, AlignGVGD, BLOSUM, MutationTaster) provide inconsistent predictions regarding the impact to the protein; this information is not very predictive of pathogenicity. In summary, based on the above information the clinical significance of this variant cannot be determined with certainty at this time. This variant is classified as a variant of uncertain significance.